The following is an entry in ClinVar:

ClinVar aggregate classification (germline): Uncertain significance (1 of 4 stars; one submission).

Allele frequency attached by ClinVar (database versions not stated): gnomAD exomes below 0.00001; TOPMed below 0.00001; gnomAD 0.00001.
gnomAD v4.1: 3 of 1,613,916 alleles (0.00019%); highest among the groups gnomAD compares: African/African-American, 0.0027%; no homozygotes.

Submission:

Ambry Genetics
Classification: Uncertain significance. Last evaluated: 2021-08-30. Review status: criteria provided, single submitter. Criteria: Ambry Variant Classification Scheme 2023. Collection method: clinical testing. Allele origin: germline.
Comment: The p.G154S variant (also known as c.460G>A), located in coding exon 4 of the GARS gene, results from a G to A substitution at nucleotide position 460. The glycine at codon 154 is replaced by serine, an amino acid with similar properties. This amino acid position is conserved. In addition, this alteration is predicted to be deleterious by in silico analysis. Since supporting evidence is limited at this time, the clinical significance of this alteration remains unclear.

NM_002047.4(GARS1):c.460G>A (p.Gly154Ser)

Gene: GARS1 (glycyl-tRNA synthetase 1; plus strand). Cytogenetic location: 7p14.3.
Variant type: single nucleotide variant.
Coding change: c.460G>A on transcript NM_002047.4 (MANE Select); coding-DNA position 460, G replaced by A.
Protein change: p.Gly154Ser; replaces glycine 154 with serine.
Molecular consequence: missense variant.
Genome position (GRCh38, 1-based): chr7:30,601,091, G>A. VCF-style: chr7-30601091-G-A. GRCh37 (hg19) VCF-style: chr7-30640707-G-A.
Other names: c.298G>A, p.Gly100Ser (NM_001316772.1); short protein forms G100S, G154S.
Identifiers: ClinVar variation 1799879 (VCV001799879.2), dbSNP rs1310016151, ClinGen allele CA367139382.
Genomic context (GRCh38, chr7:30,601,091, plus strand): 5'-GTATGTGTTTTCCTCTCATATTCTATAGGTGTTAGTGGTCTGTATGACTTTGGGCCAGTT[G>A]GCTGTGCTTTGAAGAACAATATTATTCAGACCTGGAGGCAGCACTTTATCCAAGAGGAAC-3'
Protein context (NP_002038.2, residues 144-164): VSGLYDFGPV[Gly154Ser]CALKNNIIQT